The following is an entry in ClinVar:

ClinVar aggregate classification (germline): Uncertain significance (1 of 4 stars; one submission).

Submission:

Mayo Clinic Laboratories, Mayo Clinic
Classification: Uncertain significance. Last evaluated: 2022-03-21. Review status: criteria provided, single submitter. Criteria: ACMG Guidelines, 2015. Collection method: clinical testing. Allele origin: germline. Observed: 1 variant allele.
Comment: BP4, PM2

NM_021942.6(TRAPPC11):c.1186T>C (p.Ser396Pro)

Gene: TRAPPC11 (trafficking protein particle complex subunit 11; plus strand). Cytogenetic location: 4q35.1.
Variant type: single nucleotide variant.
Coding change: c.1186T>C on transcript NM_021942.6 (MANE Select); coding-DNA position 1186, T replaced by C.
Protein change: p.Ser396Pro; replaces serine 396 with proline.
Molecular consequence: missense variant.
Genome position (GRCh38, 1-based): chr4:183,682,804, T>C. VCF-style: chr4-183682804-T-C. GRCh37 (hg19) VCF-style: chr4-184603957-T-C.
Other names: p.Ser396Pro; c.1186T>C, p.Ser396Pro (NM_199053.3); short protein forms S396P.
Identifiers: ClinVar variation 2682875 (VCV002682875.1), dbSNP rs1055886444, ClinGen allele CA111848362.